The following is an entry in ClinVar:

NM_001040142.2(SCN2A):c.901G>A (p.Asp301Asn)

Gene: SCN2A (sodium voltage-gated channel alpha subunit 2; plus strand). Cytogenetic location: 2q24.3.
Variant type: single nucleotide variant.
Coding change: c.901G>A on transcript NM_001040142.2 (MANE Select); coding-DNA position 901, G replaced by A.
Protein change: p.Asp301Asn; replaces aspartic acid 301 with asparagine.
Molecular consequence: missense variant.
Genome position (GRCh38, 1-based): chr2:165,310,526, G>A. VCF-style: chr2-165310526-G-A. GRCh37 (hg19) VCF-style: chr2-166167036-G-A.
Other names: c.901G>A, p.Asp301Asn (NM_001040143.2, NM_001371246.1, NM_001371247.1 and 1 more transcripts); short protein forms D301N.
Identifiers: ClinVar variation 943227 (VCV000943227.12), dbSNP rs1432098565, ClinGen allele CA349018557.
Genomic context (GRCh38, chr2:165,310,526, plus strand): 5'-TGGCCTCCAGATAATTCTTCCTTTGAAATAAATATCACTTCCTTCTTTAACAATTCATTG[G>A]ATGGGAATGGTACTACTTTCAATAGGACAGTGAGCATATTTAACTGGGATGAATATATTG-3'
Protein context (NP_001035232.1, residues 291-311): NITSFFNNSL[Asp301Asn]GNGTTFNRTV

ClinVar aggregate classification (germline): Uncertain significance. Review status: criteria provided, multiple submitters, no conflicts (2 of 4 stars). 2 submissions from 2 submitters: Uncertain significance (2). Last evaluated 2023-11-09.

Conditions:
Seizures, benign familial infantile, 3 (BFIS3). Also called: CONVULSIONS, BENIGN FAMILIAL INFANTILE, 3; Familial neonatal seizures. Identifiers: Orphanet 140927, Orphanet 306, MedGen C1843140, MONDO:0011904, OMIM 607745.
Developmental and epileptic encephalopathy, 11 (DEE11). Also called: Early infantile epileptic encephalopathy 11. Identifiers: Orphanet 1934, MedGen C3150987, MONDO:0013388, OMIM 613721.

Allele frequency attached by ClinVar (database versions not stated): TOPMed 0.00001; gnomAD 0.00002.
gnomAD v4.1: 3 of 1,612,952 alleles (0.00019%); highest among the groups gnomAD compares: African/African-American, 0.004%; no homozygotes.

Submissions (2):

GeneDx
Classification: Uncertain significance. Last evaluated: 2023-11-09. Review status: criteria provided, single submitter. Criteria: GeneDx Variant Classification Process June 2021. Collection method: clinical testing. Allele origin: germline. Affected: yes.
Comment: Not observed at significant frequency in large population cohorts (gnomAD); Missense variants in this gene are often considered pathogenic (HGMD); In silico analysis supports that this missense variant does not alter protein structure/function; This substitution is predicted to be within the extracellular loop between the S5 and S6 transmembrane segments of the first homologous domain.; Has not been previously published as pathogenic or benign to our knowledge

Labcorp Genetics (formerly Invitae), Labcorp
Classification: Uncertain significance for Seizures, benign familial infantile, 3; Developmental and epileptic encephalopathy, 11. Last evaluated: 2022-01-13. Review status: criteria provided, single submitter. Criteria: Invitae Variant Classification Sherloc (09022015). Collection method: clinical testing. Allele origin: germline.
Comment: In summary, the available evidence is currently insufficient to determine the role of this variant in disease. Therefore, it has been classified as a Variant of Uncertain Significance. Algorithms developed to predict the effect of missense changes on protein structure and function are either unavailable or do not agree on the potential impact of this missense change (SIFT: "Deleterious"; PolyPhen-2: "Benign"; Align-GVGD: "Class C0"). ClinVar contains an entry for this variant (Variation ID: 943227). This variant has not been reported in the literature in individuals affected with SCN2A-related conditions. This variant is present in population databases (no rsID available, gnomAD 0.01%). This sequence change replaces aspartic acid, which is acidic and polar, with asparagine, which is neutral and polar, at codon 301 of the SCN2A protein (p.Asp301Asn).